The following is an entry in ClinVar:

NM_032409.3(PINK1):c.971C>T (p.Thr324Ile)

Genes: PINK1 (PTEN induced kinase 1; plus strand), PINK1-AS (PINK1 antisense RNA; minus strand). Cytogenetic location: 1p36.12.
Variant type: single nucleotide variant.
Coding change: c.971C>T on transcript NM_032409.3 (MANE Select); coding-DNA position 971, C replaced by T.
Protein change: p.Thr324Ile; replaces threonine 324 with isoleucine.
Molecular consequence: missense variant.
Genome position (GRCh38, 1-based): chr1:20,645,571, C>T. VCF-style: chr1-20645571-C-T. GRCh37 (hg19) VCF-style: chr1-20972064-C-T.
Other names: short protein forms T324I.
Identifiers: ClinVar variation 3697752 (VCV003697752.1).

ClinVar aggregate classification (germline): Uncertain significance (1 of 4 stars; one submission).

Conditions:
Autosomal recessive early-onset Parkinson disease 6 (PARK6). Also called: PARKINSON DISEASE 6, MODIFIER OF; PARKINSON DISEASE 6, EARLY-ONSET; PINK1 Type of Young-Onset Parkinson Disease; PINK1-Related Parkinson Disease. Identifiers: Orphanet 2828, MedGen C1853833, MONDO:0011613, OMIM 605909.

gnomAD v4.1: 4 of 1,613,534 alleles (0.00025%); highest among the groups gnomAD compares: East Asian, 0.0045%; no homozygotes.

Submission:

Labcorp Genetics (formerly Invitae), Labcorp
Classification: Uncertain significance for Autosomal recessive early-onset Parkinson disease 6. Last evaluated: 2024-02-21. Review status: criteria provided, single submitter. Criteria: Invitae Variant Classification Sherloc (09022015). Collection method: clinical testing. Allele origin: germline.
Comment: This sequence change replaces threonine, which is neutral and polar, with isoleucine, which is neutral and non-polar, at codon 324 of the PINK1 protein (p.Thr324Ile). This variant is not present in population databases (gnomAD no frequency). This variant has not been reported in the literature in individuals affected with PINK1-related conditions. Advanced modeling of protein sequence and biophysical properties (such as structural, functional, and spatial information, amino acid conservation, physicochemical variation, residue mobility, and thermodynamic stability) performed at Invitae indicates that this missense variant is expected to disrupt PINK1 protein function with a positive predictive value of 80%. In summary, the available evidence is currently insufficient to determine the role of this variant in disease. Therefore, it has been classified as a Variant of Uncertain Significance.